The following is an entry in ClinVar:

ClinVar aggregate classification (germline): Benign. Review status: criteria provided, multiple submitters, no conflicts (2 of 4 stars). 2 submissions from 2 submitters: Benign (2). Last evaluated 2018-06-14.

Allele frequency attached by ClinVar (database versions not stated): gnomAD 0.06637; TOPMed 0.06852; 1000 Genomes Project 0.07508; 1000 Genomes Project 30x 0.07558.
gnomAD v4.1: 53,733 of 1,601,958 alleles (3.4%); highest among the groups gnomAD compares: African/African-American, 18%; 1,936 homozygotes.

Submissions (2):

GeneDx
Classification: Benign. Last evaluated: 2018-06-14. Review status: criteria provided, single submitter. Criteria: GeneDx Variant Classification (06012015). Collection method: clinical testing. Allele origin: germline. Affected: yes.
Comment: This variant is considered likely benign or benign based on one or more of the following criteria: it is a conservative change, it occurs at a poorly conserved position in the protein, it is predicted to be benign by multiple in silico algorithms, and/or has population frequency not consistent with disease.

Breakthrough Genomics
Classification: Benign. Review status: criteria provided, single submitter. Criteria: ACMG Guidelines, 2015. Collection method: not provided. Allele origin: germline. Inheritance: Autosomal recessive inheritance. Affected: yes.

NM_170707.4(LMNA):c.639+73C>T

Gene: LMNA (lamin A/C; plus strand). Cytogenetic location: 1q22.
Variant type: single nucleotide variant.
Coding change: c.639+73C>T on transcript NM_170707.4 (MANE Select); 73 bases into the intron after coding-DNA position 639, C replaced by T.
Molecular consequence: intron variant.
Genome position (GRCh38, 1-based): chr1:156,134,601, C>T. VCF-style: chr1-156134601-C-T. GRCh37 (hg19) VCF-style: chr1-156104392-C-T.
Other names: c.639+73C>T (NM_001282625.2, NM_001282626.2, NM_170708.4 and 1 more transcripts); c.303+73C>T (NM_001257374.3); c.396+73C>T (NM_001282624.2).
Identifiers: ClinVar variation 675372 (VCV000675372.2), dbSNP rs11264443, ClinGen allele CA31011140.